The following is an entry in ClinVar:

ClinVar aggregate classification (germline): Uncertain significance (1 of 4 stars; one submission).

Submission:

Labcorp Genetics (formerly Invitae), Labcorp
Classification: Uncertain significance. Last evaluated: 2025-08-26. Review status: criteria provided, single submitter. Criteria: Invitae Variant Classification Sherloc (09022015). Collection method: clinical testing. Allele origin: germline.
Comment: This sequence change falls in intron 6 of the CYP27B1 gene. It does not directly change the encoded amino acid sequence of the CYP27B1 protein. This variant is not present in population databases (gnomAD no frequency). This variant has not been reported in the literature in individuals affected with CYP27B1-related conditions. Algorithms developed to predict the effect of sequence changes on RNA splicing suggest that this variant may disrupt the consensus splice site. In summary, the available evidence is currently insufficient to determine the role of this variant in disease. Therefore, it has been classified as a Variant of Uncertain Significance.

NM_000785.4(CYP27B1):c.1137-20T>G

Gene: CYP27B1 (cytochrome P450 family 27 subfamily B member 1; minus strand). Cytogenetic location: 12q14.1.
Variant type: single nucleotide variant.
Coding change: c.1137-20T>G on transcript NM_000785.4 (MANE Select); 20 bases into the intron before coding-DNA position 1137, T replaced by G.
Molecular consequence: intron variant.
Genome position (GRCh38, 1-based): chr12:57,764,196, A>C on the plus strand (T>G on the coding strand, the complement: CYP27B1 is on the minus strand). VCF-style: chr12-57764196-A-C. GRCh37 (hg19) VCF-style: chr12-58157979-A-C.
Identifiers: ClinVar variation 4767407 (VCV004767407.1).
Genomic context (GRCh38, chr12:57,764,196, plus strand): 5'-TGTCTGGGACACGAGAATTTCCAGGTACCACAGGGTACAGTCTAGGTTGCAAAGCACAAA[A>C]TGGAGACAACAAGATGAGGCTAGGGGCTGCAGCCCCCTTCTCATTGTTTCCAACTTCCAA-3'